The following is an entry in ClinVar:

NM_007186.6(CEP250):c.2197G>A (p.Ala733Thr)

Genes: CEP250 (centrosomal protein 250; plus strand), CEP250-AS1 (CEP250 antisense RNA 1; minus strand). Cytogenetic location: 20q11.22.
Variant type: single nucleotide variant.
Coding change: c.2197G>A on transcript NM_007186.6 (MANE Select); coding-DNA position 2197, G replaced by A.
Protein change: p.Ala733Thr; replaces alanine 733 with threonine.
Molecular consequence: missense variant.
Genome position (GRCh38, 1-based): chr20:35,479,333, G>A. VCF-style: chr20-35479333-G-A. GRCh37 (hg19) VCF-style: chr20-34067158-G-A.
Other names: c.301G>A, p.Ala101Thr (NM_001318219.1); short protein forms A101T, A733T.
Identifiers: ClinVar variation 1009658 (VCV001009658.9), dbSNP rs376769176, ClinGen allele CA9833114.

ClinVar aggregate classification (germline): Uncertain significance (1 of 4 stars; one submission).

Allele frequency attached by ClinVar (database versions not stated): gnomAD exomes below 0.00001 and 0.00001; ExAC 0.00001; gnomAD 0.00003 and 0.00004; TOPMed 0.00003; ESP Exome Variant Server 0.00008.
gnomAD v4.1: 6 of 1,614,072 alleles (0.00037%); highest among the groups gnomAD compares: African/African-American, 0.0067%; no homozygotes.

Submission:

Labcorp Genetics (formerly Invitae), Labcorp
Classification: Uncertain significance. Last evaluated: 2022-02-04. Review status: criteria provided, single submitter. Criteria: Invitae Variant Classification Sherloc (09022015). Collection method: clinical testing. Allele origin: germline.
Comment: This variant has not been reported in the literature in individuals affected with CEP250-related conditions. ClinVar contains an entry for this variant (Variation ID: 1009658). Algorithms developed to predict the effect of missense changes on protein structure and function output the following: SIFT: "Not Available"; PolyPhen-2: "Benign"; Align-GVGD: "Not Available". The threonine amino acid residue is found in multiple mammalian species, which suggests that this missense change does not adversely affect protein function. In summary, the available evidence is currently insufficient to determine the role of this variant in disease. Therefore, it has been classified as a Variant of Uncertain Significance. This sequence change replaces alanine, which is neutral and non-polar, with threonine, which is neutral and polar, at codon 733 of the CEP250 protein (p.Ala733Thr). This variant is present in population databases (rs376769176, gnomAD 0.02%).